The following is an entry in ClinVar:

NM_015884.4(MBTPS2):c.439G>A (p.Val147Ile)

Gene: MBTPS2 (membrane bound transcription factor peptidase, site 2; plus strand). Cytogenetic location: Xp22.12.
Variant type: single nucleotide variant.
Coding change: c.439G>A on transcript NM_015884.4 (MANE Select); coding-DNA position 439, G replaced by A.
Protein change: p.Val147Ile; replaces valine 147 with isoleucine.
Molecular consequence: missense variant.
Genome position (GRCh38, 1-based): chrX:21,851,509, G>A. VCF-style: chrX-21851509-G-A. GRCh37 (hg19) VCF-style: chrX-21869627-G-A.
Other names: short protein forms V147I.
Identifiers: ClinVar variation 3696190 (VCV003696190.2).
Genomic context (GRCh38, chrX:21,851,509, plus strand): 5'-CCAAGTGGGACTCCCCTGCACCCCCACTGATAATTGCTGCCATATTGTGTCTATGAACAG[G>A]TTCCTGGTATAAATTTACCCGTCAATCAACTGACCTATTTCTTCACGGCAGTTCTCATTA-3'
Protein context (NP_056968.1, residues 137-157): LHNEQVLQVV[Val147Ile]PGINLPVNQL

ClinVar aggregate classification (germline): Uncertain significance (1 of 4 stars; one submission).

gnomAD v4.1: 27 of 1,184,856 alleles (0.0023%); highest among the groups gnomAD compares: Non-Finnish European, 0.0031%; no homozygotes.

Submission:

Labcorp Genetics (formerly Invitae), Labcorp
Classification: Uncertain significance. Last evaluated: 2025-01-06. Review status: criteria provided, single submitter. Criteria: Invitae Variant Classification Sherloc (09022015). Collection method: clinical testing. Allele origin: germline.
Comment: This sequence change replaces valine, which is neutral and non-polar, with isoleucine, which is neutral and non-polar, at codon 147 of the MBTPS2 protein (p.Val147Ile). This variant is present in population databases (rs767083102, gnomAD 0.002%). This variant has not been reported in the literature in individuals affected with MBTPS2-related conditions. Invitae Evidence Modeling of protein sequence and biophysical properties (such as structural, functional, and spatial information, amino acid conservation, physicochemical variation, residue mobility, and thermodynamic stability) indicates that this missense variant is not expected to disrupt MBTPS2 protein function with a negative predictive value of 95%. Algorithms developed to predict the effect of sequence changes on RNA splicing suggest that this variant may disrupt the consensus splice site. In summary, the available evidence is currently insufficient to determine the role of this variant in disease. Therefore, it has been classified as a Variant of Uncertain Significance.